The following is an entry in ClinVar:

NM_001277115.2(DNAH11):c.10265del (p.Gly3422fs)

Gene: DNAH11 (dynein axonemal heavy chain 11; plus strand). Cytogenetic location: 7p15.3.
Variant type: Deletion.
Coding change: c.10265del on transcript NM_001277115.2 (MANE Select); coding-DNA position 10265, one base deleted (G; older notation c.10265delG).
Protein change: p.Gly3422fs; shifts the reading frame from glycine 3422.
Molecular consequence: frameshift variant.
Genome position (GRCh38, 1-based): chr7:21,807,982, G deleted; the last of 2 consecutive G bases (chr7:21,807,981-21,807,982); deleting either gives the same sequence. VCF-style (leftmost placement, unchanged base first): chr7-21807980-CG-C. GRCh37 (hg19) VCF-style: chr7-21847598-CG-C.
Other names: c.10286delG, p.Gly3429Aspfs (NM_003777.3); short protein forms G3422fs.
Identifiers: ClinVar variation 2722982 (VCV002722982.3), dbSNP rs2535331517, ClinGen allele CA2697557163.

ClinVar aggregate classification (germline): Pathogenic (1 of 4 stars; one submission).

Conditions:
Primary ciliary dyskinesia. Also called: Ciliary dyskinesia. Identifiers: Orphanet 244, MedGen C0008780, MONDO:0016575, HP:0012265.

Submission:

Labcorp Genetics (formerly Invitae), Labcorp
Classification: Pathogenic for Primary ciliary dyskinesia. Last evaluated: 2023-06-09. Review status: criteria provided, single submitter. Criteria: Invitae Variant Classification Sherloc (09022015). Collection method: clinical testing. Allele origin: germline.
Comment: For these reasons, this variant has been classified as Pathogenic. This variant has not been reported in the literature in individuals affected with DNAH11-related conditions. This variant is not present in population databases (gnomAD no frequency). This sequence change creates a premature translational stop signal (p.Gly3422Aspfs*28) in the DNAH11 gene. It is expected to result in an absent or disrupted protein product. Loss-of-function variants in DNAH11 are known to be pathogenic (PMID: 18022865, 20513915, 22184204).

Literature cited by the submitters: PubMed 18022865; PubMed 20513915; PubMed 22184204.